The following is an entry in ClinVar:

ClinVar aggregate classification (germline): Pathogenic. Review status: criteria provided, multiple submitters, no conflicts (2 of 4 stars). 4 submissions from 4 submitters: Pathogenic (4). Last evaluated 2025-10-21.

Conditions:
Glycogen storage disease. Also called: Disorder of glycogen metabolism; glycogen storage disorder. Identifiers: Orphanet 79201, MedGen C0017919, MONDO:0002412.
Glycogen storage disease type III (GSD3). Also called: Cori disease; FORBES DISEASE. Identifiers: Orphanet 366, MedGen C0017922, MONDO:0009291, OMIM 232400.

Submissions (4):

NHS Central & South Genomic Laboratory Hub
Classification: Pathogenic for Glycogen storage disease. Last evaluated: 2025-10-21. Review status: criteria provided, single submitter. Criteria: ACMG Guidelines, 2015. Collection method: clinical testing. Allele origin: germline. Affected: yes.

Labcorp Genetics (formerly Invitae), Labcorp
Classification: Pathogenic for Glycogen storage disease type III. Last evaluated: 2023-11-15. Review status: criteria provided, single submitter. Criteria: Invitae Variant Classification Sherloc (09022015). Collection method: clinical testing. Allele origin: germline.
Comment: This sequence change creates a premature translational stop signal (p.Asp501Argfs*15) in the AGL gene. It is expected to result in an absent or disrupted protein product. Loss-of-function variants in AGL are known to be pathogenic (PMID: 19299494). This variant is present in population databases (no rsID available, gnomAD 0.006%). This premature translational stop signal has been observed in individual(s) with glycogen storage disease type III (PMID: 25451950). For these reasons, this variant has been classified as Pathogenic.

CENTOGENE GmbH and LLC - Guiding Precision Medicine
Classification: Pathogenic for Glycogen storage disease type III. Review status: criteria provided, single submitter. Criteria: ACMG Guidelines, 2015. Collection method: clinical testing. Allele origin: germline. Affected: yes.

Neuberg Centre For Genomic Medicine, NCGM
Classification: Pathogenic for Glycogen storage disease type III. Review status: criteria provided, single submitter. Criteria: ACMG Guidelines, 2015. Collection method: clinical testing. Allele origin: germline. Inheritance: Autosomal recessive inheritance. Affected: yes.
Comment: The frameshift duplication p.D501Rfs*15 in AGL (NM_000642.3) has been submitted to ClinVar as Pathogenic but no details are available for independent assessment. The p.D501Rfs*15 variant is observed in 2/30,614 (0.0065%) alleles from individuals of South Asian background in gnomAD Exomes and is novel (not in any individuals) in 1000 Genomes. This variant is predicted to cause loss of normal protein function through protein truncation. Loss of function mutations have been previously reported to be disease causing. For these reasons, this variant has been classified as Pathogenic.

Literature cited by the submitters: PubMed 19299494 (cited by Labcorp Genetics (formerly Invitae), Labcorp); PubMed 25451950 (cited by Labcorp Genetics (formerly Invitae), Labcorp).

NM_000642.3(AGL):c.1497_1500dup (p.Asp501fs)

Gene: AGL (amylo-alpha-1,6-glucosidase and 4-alpha-glucanotransferase; plus strand). Cytogenetic location: 1p21.2.
Variant type: Microsatellite.
Coding change: c.1497_1500dup on transcript NM_000642.3 (MANE Select); coding-DNA positions 1497 to 1500, 4 bases duplicated (AGAG; older notation c.1497_1500dupAGAG).
Protein change: p.Asp501fs; shifts the reading frame from aspartic acid 501.
Molecular consequence: frameshift variant.
Genome position (GRCh38, 1-based): chr1:99,877,714-99,877,717, AGAG duplicated. VCF-style (leftmost placement, unchanged base first): chr1-99877713-C-CAGAG. GRCh37 (hg19) VCF-style: chr1-100343269-C-CAGAG.
Other names: c.1497_1500dupAGAG (NM_000642.3); c.1497_1498AG[4], p.Asp501Argfs (NM_000028.3, NM_000643.3, NM_000644.3 and 2 more transcripts); c.1449_1450AG[4], p.Asp485Argfs (NM_000646.3); c.1296_1297AG[4], p.Asp434Argfs (NM_001425327.1); c.1293_1294AG[4], p.Asp433Argfs (NM_001425328.1, NM_001425329.1); c.1119_1120AG[4], p.Asp375Argfs (NM_001425332.1); short protein forms D485fs, D501fs.
Identifiers: ClinVar variation 973525 (VCV000973525.6), dbSNP rs1204840140, ClinGen allele CA524878329.